The following is an entry in ClinVar:

NM_001127178.3(PIGG):c.2142G>T (p.Arg714Ser)

Gene: PIGG (phosphatidylinositol glycan anchor biosynthesis class G (EMM blood group); plus strand). Cytogenetic location: 4p16.3.
Variant type: single nucleotide variant.
Coding change: c.2142G>T on transcript NM_001127178.3 (MANE Select); coding-DNA position 2142, G replaced by T.
Protein change: p.Arg714Ser; replaces arginine 714 with serine.
Molecular consequence: missense variant. On other transcripts: non-coding transcript variant (10).
Genome position (GRCh38, 1-based): chr4:527,111, G>T. VCF-style: chr4-527111-G-T. GRCh37 (hg19) VCF-style: chr4-520900-G-T.
Other names: c.1875G>T, p.Arg625Ser (NM_001289051.2, NM_001345986.2); c.1743G>T, p.Arg581Ser (NM_001289052.2); c.1851G>T, p.Arg617Ser (NM_001345987.2); c.1113G>T, p.Arg371Ser (NM_001345988.2); c.609G>T, p.Arg203Ser (NM_001345990.2, NM_001345991.2); c.1044G>T, p.Arg348Ser (NM_001345994.2); c.2118G>T, p.Arg706Ser (NM_017733.5); c.2142G>T (NM_001127178.1); short protein forms R581S, R625S, R617S, R714S, R348S, R706S, R203S, R371S.
Identifiers: ClinVar variation 1418187 (VCV001418187.8), dbSNP rs769065983, ClinGen allele CA2793553.

ClinVar aggregate classification (germline): Uncertain significance. Review status: criteria provided, multiple submitters, no conflicts (2 of 4 stars). 2 submissions from 2 submitters: Uncertain significance (2). Last evaluated 2025-07-02.

Conditions:
Inborn genetic diseases. Identifiers: MedGen C0950123, MeSH D030342.
Intellectual disability, autosomal recessive 53 (NEDHSCA). Also called: Mental retardation, autosomal recessive 53; NEURODEVELOPMENTAL DISORDER WITH OR WITHOUT HYPOTONIA, SEIZURES, AND CEREBELLAR ATROPHY; GLYCOSYLPHOSPHATIDYLINOSITOL BIOSYNTHESIS DEFECT 13. Identifiers: Orphanet 488635, MedGen C4310794, MONDO:0014832, OMIM 616917.

gnomAD v4.1: 3 of 1,614,156 alleles (0.00019%); highest among the groups gnomAD compares: Admixed American, 0.005%; no homozygotes.

Submissions (2):

Ambry Genetics
Classification: Uncertain significance for Inborn genetic diseases. Last evaluated: 2025-07-02. Review status: criteria provided, single submitter. Criteria: Ambry Variant Classification Scheme 2023. Collection method: clinical testing. Allele origin: germline.

Labcorp Genetics (formerly Invitae), Labcorp
Classification: Uncertain significance for Intellectual disability, autosomal recessive 53. Last evaluated: 2021-09-10. Review status: criteria provided, single submitter. Criteria: Invitae Variant Classification Sherloc (09022015). Collection method: clinical testing. Allele origin: germline.
Comment: This sequence change replaces arginine with serine at codon 714 of the PIGG protein (p.Arg714Ser). The arginine residue is moderately conserved and there is a moderate physicochemical difference between arginine and serine. This variant is present in population databases (rs769065983, ExAC 0.009%). This variant has not been reported in the literature in individuals with PIGG-related conditions. Algorithms developed to predict the effect of missense changes on protein structure and function output the following: SIFT: "Tolerated"; PolyPhen-2: "Benign"; Align-GVGD: "Class C0". The serine amino acid residue is found in multiple mammalian species, suggesting that this missense change does not adversely affect protein function. These predictions have not been confirmed by published functional studies and their clinical significance is uncertain. Algorithms developed to predict the effect of sequence changes on RNA splicing suggest that this variant may create or strengthen a splice site, but this prediction has not been confirmed by published transcriptional studies. In summary, the available evidence is currently insufficient to determine the role of this variant in disease. Therefore, it has been classified as a Variant of Uncertain Significance.